The following is an entry in ClinVar:

ClinVar aggregate classification (germline): Pathogenic. Review status: criteria provided, single submitter (1 of 4 stars). 2 submissions from 2 submitters: Pathogenic (1). 1 of the submissions does not count toward it. Last evaluated 2024-09-05.

Conditions:
Neurodevelopmental disorder. Identifiers: MedGen C1535926, MeSH D065886, MONDO:0700092.

Submissions (2):

GeneDx
Classification: Pathogenic. Last evaluated: 2024-09-05. Review status: criteria provided, single submitter. Criteria: GeneDx Variant Classification Process June 2021. Collection method: clinical testing. Allele origin: germline. Affected: yes.
Comment: In silico analysis supports that this missense variant has a deleterious effect on protein structure/function; Not observed at significant frequency in large population cohorts (gnomAD); Has not been previously published as pathogenic or benign to our knowledge; This variant is associated with the following publications: (PMID: 35051358)

Laboratory of Molecular Genetics (Pr. Bezieau's lab), CHU de Nantes
Classification: Pathogenic for Neurodevelopmental disorder. Last evaluated: 2021-06-22. Review status: no assertion criteria provided. Collection method: research. Allele origin: de novo. Affected: yes. Not counted in ClinVar's aggregate classification.

NM_004656.4(BAP1):c.176G>C (p.Arg59Pro)

Gene: BAP1 (BRCA1 associated deubiquitinase 1; minus strand). Cytogenetic location: 3p21.1.
Variant type: single nucleotide variant.
Coding change: c.176G>C on transcript NM_004656.4 (MANE Select); coding-DNA position 176, G replaced by C.
Protein change: p.Arg59Pro; replaces arginine 59 with proline.
Molecular consequence: missense variant.
Genome position (GRCh38, 1-based): chr3:52,408,553, C>G on the plus strand (G>C on the coding strand, the complement: BAP1 is on the minus strand). VCF-style: chr3-52408553-C-G. GRCh37 (hg19) VCF-style: chr3-52442569-C-G.
Other names: short protein forms R59P.
Identifiers: ClinVar variation 1173080 (VCV001173080.2), dbSNP rs1298276806, ClinGen allele CA353113466.
Genomic context (GRCh38, chr3:52,408,553, plus strand): 5'-TTATTCACAATATCATCATCAATCACGGACGTATCATCCACCAAGGTAGAGACCTTTCGC[C>G]GGGACCGGCGCTCTTCGATCCATTTGAACAGGAAGATAAATCCATATACAGGGCTGGGGG-3'
Protein context (NP_004647.1, residues 49-69): LFKWIEERRS[Arg59Pro]RKVSTLVDDT